The following is an entry in ClinVar:

ClinVar aggregate classification (germline): Uncertain significance (1 of 4 stars; one submission).

Conditions:
Familial thoracic aortic aneurysm and aortic dissection (TAAD). Also called: Thoracic aortic aneurysms and dissections. Identifiers: Orphanet 91387, MedGen C4707243, MONDO:0019625.

Allele frequency attached by ClinVar (database versions not stated): gnomAD exomes 0.00001; ExAC 0.00002.
gnomAD v4.1: 3 of 1,614,190 alleles (0.00019%); highest among the groups gnomAD compares: Non-Finnish European, 0.00025%; no homozygotes.

Submission:

Ambry Genetics
Classification: Uncertain significance for Familial thoracic aortic aneurysm and aortic dissection. Last evaluated: 2023-04-03. Review status: criteria provided, single submitter. Criteria: Ambry Variant Classification Scheme 2023. Collection method: clinical testing. Allele origin: germline.
Comment: The p.V176I variant (also known as c.526G>A), located in coding exon 2 of the SLC2A10 gene, results from a G to A substitution at nucleotide position 526. The valine at codon 176 is replaced by isoleucine, an amino acid with highly similar properties. This amino acid position is poorly conserved in available vertebrate species. In addition, this alteration is predicted to be tolerated by in silico analysis. Since supporting evidence is limited at this time, the clinical significance of this alteration remains unclear.

NM_030777.4(SLC2A10):c.526G>A (p.Val176Ile)

Gene: SLC2A10 (solute carrier family 2 member 10; plus strand). Cytogenetic location: 20q13.12.
Variant type: single nucleotide variant.
Coding change: c.526G>A on transcript NM_030777.4 (MANE Select); coding-DNA position 526, G replaced by A.
Protein change: p.Val176Ile; replaces valine 176 with isoleucine.
Molecular consequence: missense variant.
Genome position (GRCh38, 1-based): chr20:46,725,562, G>A. VCF-style: chr20-46725562-G-A. GRCh37 (hg19) VCF-style: chr20-45354201-G-A.
Other names: short protein forms V176I.
Identifiers: ClinVar variation 2564031 (VCV002564031.2), dbSNP rs769177320, ClinGen allele CA9891993.